The following is an entry in ClinVar:

ClinVar aggregate classification (germline): Uncertain significance (1 of 4 stars; one submission).

Conditions:
Ullrich congenital muscular dystrophy 2 (UCMD2). Identifiers: Orphanet 75840, MedGen C4225314, MONDO:0014654, OMIM 616470.
Bethlem myopathy 2 (BTHLM2). Identifiers: Orphanet 536516, Orphanet 610, MedGen C4225313, MONDO:0034022, OMIM 616471.

Submission:

Labcorp Genetics (formerly Invitae), Labcorp
Classification: Uncertain significance for Bethlem myopathy 2; Ullrich congenital muscular dystrophy 2. Last evaluated: 2025-03-05. Review status: criteria provided, single submitter. Criteria: Invitae Variant Classification Sherloc (09022015). Collection method: clinical testing. Allele origin: germline.
Comment: This sequence change replaces serine, which is neutral and polar, with asparagine, which is neutral and polar, at codon 1166 of the COL12A1 protein (p.Ser1166Asn). This variant is not present in population databases (gnomAD no frequency). This variant has not been reported in the literature in individuals affected with COL12A1-related conditions. ClinVar contains an entry for this variant (Variation ID: 2170383). Invitae Evidence Modeling of protein sequence and biophysical properties (such as structural, functional, and spatial information, amino acid conservation, physicochemical variation, residue mobility, and thermodynamic stability) indicates that this missense variant is not expected to disrupt COL12A1 protein function with a negative predictive value of 80%. In summary, the available evidence is currently insufficient to determine the role of this variant in disease. Therefore, it has been classified as a Variant of Uncertain Significance.

NM_004370.6(COL12A1):c.3497G>A (p.Ser1166Asn)

Gene: COL12A1 (collagen type XII alpha 1 chain; minus strand). Cytogenetic location: 6q13.
Variant type: single nucleotide variant.
Coding change: c.3497G>A on transcript NM_004370.6 (MANE Select); coding-DNA position 3497, G replaced by A.
Protein change: p.Ser1166Asn; replaces serine 1166 with asparagine.
Molecular consequence: missense variant. On other transcripts: intron variant (1).
Genome position (GRCh38, 1-based): chr6:75,154,484, C>T on the plus strand (G>A on the coding strand, the complement: COL12A1 is on the minus strand). VCF-style: chr6-75154484-C-T. GRCh37 (hg19) VCF-style: chr6-75864200-C-T.
Other names: c.74-2002G>A (NM_080645.3); short protein forms S1166N.
Identifiers: ClinVar variation 2170383 (VCV002170383.4), dbSNP rs1767654089, ClinGen allele CA364751316.